The following is an entry in ClinVar:

ClinVar aggregate classification (germline): Likely pathogenic (1 of 4 stars; one submission).

Conditions:
Charlevoix-Saguenay spastic ataxia (SACS). Also called: AUTOSOMAL RECESSIVE SPASTIC ATAXIA OF CHARLEVOIX-SAGUENAY; Spastic ataxia of Charlevoix-Saguenay; SPASTIC ATAXIA 6, AUTOSOMAL RECESSIVE. Identifiers: Orphanet 98, MedGen C1849140, MONDO:0010041, OMIM 270550.

Submission:

Natera, Inc.
Classification: Likely pathogenic for Charlevoix-Saguenay type spastic ataxia. Last evaluated: 2025-10-07. Review status: criteria provided, single submitter. Criteria: Natera Variant Classification Schema (03/2026). Collection method: clinical testing. Allele origin: germline.
Comment: The c.2224del variant in SACS is a frameshift variant predicted to shift the reading frame beginning at codon 742 and leads to a stop codon 9 codons downstream. This variant is expected to result in nonsense mediated decay, truncation, or a dysfunctional protein product. This variant is rare in the general population with a frequency below the threshold expected for the associated phenotype(s). Given the available evidence, this variant is classified as Likely Pathogenic.

NM_014363.6(SACS):c.2224del (p.Arg742fs)

Gene: SACS (sacsin molecular chaperone; minus strand). Cytogenetic location: 13q12.12.
Variant type: Deletion.
Coding change: c.2224del on transcript NM_014363.6 (MANE Select); coding-DNA position 2224, one base deleted (C; older notation c.2224delC).
Protein change: p.Arg742fs; shifts the reading frame from arginine 742.
Molecular consequence: frameshift variant.
Genome position (GRCh38, 1-based): chr13:23,341,652, G deleted on the plus strand (C on the coding strand, the reverse complement: SACS is on the minus strand). VCF-style (leftmost placement, unchanged base first): chr13-23341651-CG-C. GRCh37 (hg19) VCF-style: chr13-23915790-CG-C.
Other names: c.1783del, p.Arg595fs (NM_001278055.2); c.2251del, p.Arg751fs (NM_001437336.1); short protein forms R595fs, R742fs, R751fs.
Identifiers: ClinVar variation 4815691 (VCV004815691.1).